The following is an entry in ClinVar:

NM_021083.4(XK):c.397C>T (p.Arg133Ter)

Gene: XK (X-linked Kx blood group antigen, Kell and VPS13A binding protein; plus strand). Cytogenetic location: Xp21.1.
Variant type: single nucleotide variant.
Coding change: c.397C>T on transcript NM_021083.4 (MANE Select); coding-DNA position 397, C replaced by T.
Protein change: p.Arg133Ter; replaces arginine 133 with a stop codon.
Molecular consequence: nonsense.
Genome position (GRCh38, 1-based): chrX:37,694,437, C>T. VCF-style: chrX-37694437-C-T. GRCh37 (hg19) VCF-style: chrX-37553690-C-T.
Other names: short protein forms R133*.
Identifiers: ClinVar variation 3340180 (VCV003340180.2).

ClinVar aggregate classification (germline): Pathogenic. Review status: criteria provided, multiple submitters, no conflicts (2 of 4 stars). 2 submissions from 2 submitters: Pathogenic (2). Last evaluated 2023-08-09.

Conditions:
XK-related disorders.

Submissions (2):

GeneDx
Classification: Pathogenic. Last evaluated: 2023-08-09. Review status: criteria provided, single submitter. Criteria: GeneDx Variant Classification Process June 2021. Collection method: clinical testing. Allele origin: germline. Affected: yes.
Comment: Nonsense variant predicted to result in protein truncation or nonsense mediated decay in a gene for which loss of function is a known mechanism of disease; Not observed at significant frequency in large population cohorts (gnomAD); This variant is associated with the following publications: (PMID: 31775676, 30128557, 35937484, 31086825, 17870653, 18167163, 11104227, 11761473)

Blueprint Genetics
Classification: Pathogenic for XK-related disorders. Last evaluated: 2021-10-18. Review status: criteria provided, single submitter. Criteria: ACMG Guidelines, 2015. Collection method: clinical testing. Allele origin: germline. Affected: yes. Observed: 1 variant allele.